The following is an entry in ClinVar:

ClinVar aggregate classification (germline): Likely benign. Review status: criteria provided, multiple submitters, no conflicts (2 of 4 stars). 4 submissions from 4 submitters: Likely benign (3). 1 of the submissions does not count toward it. Last evaluated 2026-02-03.

Conditions:
MEGF8-related Carpenter syndrome. Also called: Carpenter syndrome 2. Identifiers: Orphanet 65759, MedGen C3554247, MONDO:0013998, OMIM 614976.
MEGF8-related disorder. Also called: MEGF8-related condition.

Allele frequency attached by ClinVar (database versions not stated): ESP Exome Variant Server 0.00008; gnomAD 0.00017 and 0.00015; 1000 Genomes Project 0.00020; gnomAD exomes 0.00025 and 0.00033; ExAC 0.00058; 1000 Genomes Project 30x 0.00016; TOPMed 0.00016.

Submissions (4):

Labcorp Genetics (formerly Invitae), Labcorp
Classification: Likely benign for MEGF8-related Carpenter syndrome. Last evaluated: 2026-02-03. Review status: criteria provided, single submitter. Criteria: Invitae Variant Classification Sherloc (09022015). Collection method: clinical testing. Allele origin: germline.

CeGaT Center for Human Genetics Tuebingen
Classification: Likely benign. Last evaluated: 2025-09-01. Review status: criteria provided, single submitter. Criteria: CeGaT Center For Human Genetics Tuebingen Variant Classification Criteria Version 2. Collection method: clinical testing. Allele origin: germline. Affected: yes. Observed: 4 variant alleles.
Comment: MEGF8: BP4, BP7

Blueprint Genetics
Classification: Likely benign. Last evaluated: 2024-11-26. Review status: criteria provided, single submitter. Criteria: ACMG Guidelines, 2015. Collection method: clinical testing. Allele origin: germline.

PreventionGenetics, part of Exact Sciences
Classification: Likely benign for MEGF8-related condition. Last evaluated: 2019-04-01. Review status: no assertion criteria provided. Collection method: clinical testing. Allele origin: germline. Not counted in ClinVar's aggregate classification.
Comment: This variant is classified as likely benign based on ACMG/AMP sequence variant interpretation guidelines (Richards et al. 2015 PMID: 25741868, with internal and published modifications).

NM_001271938.2(MEGF8):c.4434C>T (p.Pro1478=)

Gene: MEGF8 (multiple EGF like domains 8; plus strand). Cytogenetic location: 19q13.2.
Variant type: single nucleotide variant.
Coding change: c.4434C>T on transcript NM_001271938.2 (MANE Select); coding-DNA position 4434, C replaced by T.
Protein change: p.Pro1478=; no amino-acid change (proline 1478 retained).
Molecular consequence: synonymous variant.
Genome position (GRCh38, 1-based): chr19:42,356,124, C>T. VCF-style: chr19-42356124-C-T. GRCh37 (hg19) VCF-style: chr19-42860276-C-T.
Other names: c.4233C>T, p.Pro1411= (NM_001410.3).
Identifiers: ClinVar variation 767525 (VCV000767525.34), dbSNP rs371090576, ClinGen allele CA9475268.